The following is an entry in ClinVar:

ClinVar aggregate classification (germline): Likely benign (1 of 4 stars; one submission).

Submission:

CeGaT Center for Human Genetics Tuebingen
Classification: Likely benign. Last evaluated: 2024-10-01. Review status: criteria provided, single submitter. Criteria: CeGaT Center For Human Genetics Tuebingen Variant Classification Criteria Version 2. Collection method: clinical testing. Allele origin: germline. Affected: yes. Observed: 1 variant allele.
Comment: CYLD: PM2:Supporting, BP4, BP7

NM_001378743.1(CYLD):c.2295A>G (p.Leu765=)

Genes: CYLD (CYLD lysine 63 deubiquitinase; plus strand), CYLD-AS2 (CYLD antisense RNA 2; minus strand). Cytogenetic location: 16q12.1.
Variant type: single nucleotide variant.
Coding change: c.2295A>G on transcript NM_001378743.1 (MANE Select); coding-DNA position 2295, A replaced by G.
Protein change: p.Leu765=; no amino-acid change (leucine 765 retained).
Molecular consequence: synonymous variant. On other transcripts: non-coding transcript variant (1).
Genome position (GRCh38, 1-based): chr16:50,792,650, A>G. VCF-style: chr16-50792650-A-G. GRCh37 (hg19) VCF-style: chr16-50826561-A-G.
Other names: c.2286A>G, p.Leu762= (NM_001042355.2, NM_001042412.3, NM_001378744.1 and 6 more transcripts); c.2256A>G, p.Leu752= (NM_001378751.1, NM_001378752.1, NM_001378753.1); c.1620A>G, p.Leu540= (NM_001378754.1, NM_001378755.1); c.2295A>G, p.Leu765= (NM_015247.3).
Identifiers: ClinVar variation 3388876 (VCV003388876.14).